The following is an entry in ClinVar:

NM_004370.6(COL12A1):c.1138C>G (p.Leu380Val)

Gene: COL12A1 (collagen type XII alpha 1 chain; minus strand). Cytogenetic location: 6q13.
Variant type: single nucleotide variant.
Coding change: c.1138C>G on transcript NM_004370.6 (MANE Select); coding-DNA position 1138, C replaced by G.
Protein change: p.Leu380Val; replaces leucine 380 with valine.
Molecular consequence: missense variant. On other transcripts: intron variant (2).
Genome position (GRCh38, 1-based): chr6:75,184,004, G>C on the plus strand (C>G on the coding strand, the complement: COL12A1 is on the minus strand). VCF-style: chr6-75184004-G-C. GRCh37 (hg19) VCF-style: chr6-75893720-G-C.
Other names: c.1138C>G, p.Leu380Val (NM_001424113.1, NM_001424114.1, NM_001424115.1); c.73+18716C>G (NM_001424116.1, NM_080645.3); short protein forms L380V.
Identifiers: ClinVar variation 2928997 (VCV002928997.2), dbSNP rs374497427, ClinGen allele CA3894259.

ClinVar aggregate classification (germline): Uncertain significance (1 of 4 stars; one submission).

Conditions:
Ullrich congenital muscular dystrophy 2 (UCMD2). Identifiers: Orphanet 75840, MedGen C4225314, MONDO:0014654, OMIM 616470.
Bethlem myopathy 2 (BTHLM2). Identifiers: Orphanet 536516, Orphanet 610, MedGen C4225313, MONDO:0034022, OMIM 616471.

Allele frequency attached by ClinVar (database versions not stated): gnomAD exomes below 0.00001; ExAC 0.00001; gnomAD 0.00003; TOPMed 0.00005; ESP Exome Variant Server 0.00008.
gnomAD v4.1: 6 of 1,614,080 alleles (0.00037%); highest among the groups gnomAD compares: Admixed American, 0.005%; no homozygotes.

Submission:

Labcorp Genetics (formerly Invitae), Labcorp
Classification: Uncertain significance for Bethlem myopathy 2; Ullrich congenital muscular dystrophy 2. Last evaluated: 2024-08-12. Review status: criteria provided, single submitter. Criteria: Invitae Variant Classification Sherloc (09022015). Collection method: clinical testing. Allele origin: germline.
Comment: This sequence change replaces leucine, which is neutral and non-polar, with valine, which is neutral and non-polar, at codon 380 of the COL12A1 protein (p.Leu380Val). This variant is present in population databases (rs374497427, gnomAD 0.0009%). This variant has not been reported in the literature in individuals affected with COL12A1-related conditions. Advanced modeling of protein sequence and biophysical properties (such as structural, functional, and spatial information, amino acid conservation, physicochemical variation, residue mobility, and thermodynamic stability) performed at Invitae indicates that this missense variant is not expected to disrupt COL12A1 protein function with a negative predictive value of 80%. In summary, the available evidence is currently insufficient to determine the role of this variant in disease. Therefore, it has been classified as a Variant of Uncertain Significance.